The following is an entry in ClinVar:

ClinVar aggregate classification (germline): Uncertain significance (1 of 4 stars; one submission).

Conditions:
Inborn genetic diseases. Identifiers: MedGen C0950123, MeSH D030342.

Submission:

Ambry Genetics
Classification: Uncertain significance for Inborn genetic diseases. Last evaluated: 2025-08-22. Review status: criteria provided, single submitter. Criteria: Ambry Variant Classification Scheme 2023. Collection method: clinical testing. Allele origin: germline.
Comment: The p.E1376A variant (also known as c.4127A>C), located in coding exon 29 of the ANKRD26 gene, results from an A to C substitution at nucleotide position 4127. The glutamic acid at codon 1376 is replaced by alanine, an amino acid with dissimilar properties. This amino acid position is conserved. In addition, this alteration is predicted to be tolerated by in silico analysis. Based on the available evidence, the clinical significance of this variant remains unclear.

NM_014915.3(ANKRD26):c.4127A>C (p.Glu1376Ala)

Gene: ANKRD26 (ankyrin repeat domain containing 26; minus strand). Cytogenetic location: 10p12.1.
Variant type: single nucleotide variant.
Coding change: c.4127A>C on transcript NM_014915.3 (MANE Select); coding-DNA position 4127, A replaced by C.
Protein change: p.Glu1376Ala; replaces glutamic acid 1376 with alanine.
Molecular consequence: missense variant.
Genome position (GRCh38, 1-based): chr10:27,022,646, T>G on the plus strand (A>C on the coding strand, the complement: ANKRD26 is on the minus strand). VCF-style: chr10-27022646-T-G. GRCh37 (hg19) VCF-style: chr10-27311575-T-G.
Other names: c.4124A>C, p.Glu1375Ala (NM_001256053.2); short protein forms E1375A, E1376A.
Identifiers: ClinVar variation 4102554 (VCV004102554.1).